The following is an entry in ClinVar:

NM_001190274.2(FBXO11):c.1399-17A>G

Gene: FBXO11 (F-box protein 11; minus strand). Cytogenetic location: 2p16.3.
Variant type: single nucleotide variant.
Coding change: c.1399-17A>G on transcript NM_001190274.2 (MANE Select); 17 bases into the intron before coding-DNA position 1399, A replaced by G.
Molecular consequence: intron variant.
Genome position (GRCh38, 1-based): chr2:47,823,377, T>C on the plus strand (A>G on the coding strand, the complement: FBXO11 is on the minus strand). VCF-style: chr2-47823377-T-C. GRCh37 (hg19) VCF-style: chr2-48050516-T-C.
Other names: c.1147-17A>G (NM_001374325.1, NM_025133.4).
Identifiers: ClinVar variation 2838752 (VCV002838752.3), dbSNP rs2531102270, ClinGen allele CA2739274387.

ClinVar aggregate classification (germline): Uncertain significance (1 of 4 stars; one submission).

Submission:

Labcorp Genetics (formerly Invitae), Labcorp
Classification: Uncertain significance. Last evaluated: 2023-02-18. Review status: criteria provided, single submitter. Criteria: Invitae Variant Classification Sherloc (09022015). Collection method: clinical testing. Allele origin: germline.
Comment: In summary, the available evidence is currently insufficient to determine the role of this variant in disease. Therefore, it has been classified as a Variant of Uncertain Significance. Algorithms developed to predict the effect of sequence changes on RNA splicing suggest that this variant may create or strengthen a splice site. This variant has not been reported in the literature in individuals affected with FBXO11-related conditions. This variant is not present in population databases (gnomAD no frequency). This sequence change falls in intron 11 of the FBXO11 gene. It does not directly change the encoded amino acid sequence of the FBXO11 protein.